The following is an entry in ClinVar:

ClinVar aggregate classification (germline): Uncertain significance (1 of 4 stars; one submission).

Conditions:
Fanconi anemia (FA). Also called: Fanconi's anemia. Identifiers: Orphanet 84, MedGen C0015625, MeSH D005199, MONDO:0019391.

Submission:

Labcorp Genetics (formerly Invitae), Labcorp
Classification: Uncertain significance for Fanconi anemia. Last evaluated: 2023-09-30. Review status: criteria provided, single submitter. Criteria: Invitae Variant Classification Sherloc (09022015). Collection method: clinical testing. Allele origin: germline.
Comment: In summary, the available evidence is currently insufficient to determine the role of this variant in disease. Therefore, it has been classified as a Variant of Uncertain Significance. This sequence change replaces serine, which is neutral and polar, with glycine, which is neutral and non-polar, at codon 1286 of the FANCM protein (p.Ser1286Gly). This variant is not present in population databases (gnomAD no frequency). This variant has not been reported in the literature in individuals affected with FANCM-related conditions. An algorithm developed to predict the effect of missense changes on protein structure and function (PolyPhen-2) suggests that this variant is likely to be tolerated.

NM_020937.4(FANCM):c.3856A>G (p.Ser1286Gly)

Gene: FANCM (FA complementation group M; plus strand). Cytogenetic location: 14q21.2.
Variant type: single nucleotide variant.
Coding change: c.3856A>G on transcript NM_020937.4 (MANE Select); coding-DNA position 3856, A replaced by G.
Protein change: p.Ser1286Gly; replaces serine 1286 with glycine.
Molecular consequence: missense variant.
Genome position (GRCh38, 1-based): chr14:45,176,610, A>G. VCF-style: chr14-45176610-A-G. GRCh37 (hg19) VCF-style: chr14-45645813-A-G.
Other names: c.3778A>G, p.Ser1260Gly (NM_001308133.2); short protein forms S1286G, S1260G.
Identifiers: ClinVar variation 2764535 (VCV002764535.3), dbSNP rs2503195147, ClinGen allele CA389603316.
Genomic context (GRCh38, chr14:45,176,610, plus strand): 5'-ATTAAGGAGATAAGTGATGCAAATTATGTTTCGAATCAAGCACTAATACCAAGAGATCAT[A>G]GTAAAAATTTTACTAGTGGAACTGTTATTATCCCATCAAATGAAGATATGCAGAATCCAA-3'
Protein context (NP_065988.1, residues 1276-1296): SNQALIPRDH[Ser1286Gly]KNFTSGTVII